The following is an entry in ClinVar:

NM_015378.4(VPS13D):c.8252C>G (p.Thr2751Ser)

Gene: VPS13D (vacuolar protein sorting 13 homolog D; plus strand). Cytogenetic location: 1p36.22.
Variant type: single nucleotide variant.
Coding change: c.8252C>G on transcript NM_015378.4 (MANE Select); coding-DNA position 8252, C replaced by G.
Protein change: p.Thr2751Ser; replaces threonine 2751 with serine.
Molecular consequence: missense variant.
Genome position (GRCh38, 1-based): chr1:12,329,883, C>G. VCF-style: chr1-12329883-C-G. GRCh37 (hg19) VCF-style: chr1-12389940-C-G.
Other names: c.8252C>G, p.Thr2751Ser (NM_018156.4); short protein forms T2751S.
Identifiers: ClinVar variation 3370898 (VCV003370898.1).

ClinVar aggregate classification (germline): Uncertain significance (1 of 4 stars; one submission).

gnomAD v4.1: 51 of 1,614,050 alleles (0.0032%); highest among the groups gnomAD compares: Non-Finnish European, 0.0042%; no homozygotes.

Submission:

GeneDx
Classification: Uncertain significance. Last evaluated: 2024-03-14. Review status: criteria provided, single submitter. Criteria: GeneDx Variant Classification Process June 2021. Collection method: clinical testing. Allele origin: germline. Affected: yes.
Comment: Not observed at significant frequency in large population cohorts (gnomAD); In silico analysis supports that this missense variant has a deleterious effect on protein structure/function; Has not been previously published as pathogenic or benign to our knowledge